The following is an entry in ClinVar:

NM_001040616.3(LINS1):c.79G>A (p.Asp27Asn)

Gene: LINS1 (lines homolog 1; minus strand). Cytogenetic location: 15q26.3.
Variant type: single nucleotide variant.
Coding change: c.79G>A on transcript NM_001040616.3 (MANE Select); coding-DNA position 79, G replaced by A.
Protein change: p.Asp27Asn; replaces aspartic acid 27 with asparagine.
Molecular consequence: missense variant. On other transcripts: 5 prime UTR variant (1), non-coding transcript variant (3).
Genome position (GRCh38, 1-based): chr15:100,580,764, C>T on the plus strand (G>A on the coding strand, the complement: LINS1 is on the minus strand). VCF-style: chr15-100580764-C-T. GRCh37 (hg19) VCF-style: chr15-101120969-C-T.
Other names: c.-831G>A (NM_001352507.2); c.79G>A, p.Asp27Asn (NM_001352508.2); short protein forms D27N.
Identifiers: ClinVar variation 3343746 (VCV003343746.2).

ClinVar aggregate classification (germline): Uncertain significance (1 of 4 stars; one submission).

gnomAD v4.1: 5 of 1,609,414 alleles (0.00031%); highest among the groups gnomAD compares: Non-Finnish European, 0.00034%; no homozygotes.

Submission:

GeneDx
Classification: Uncertain significance. Last evaluated: 2026-09-14. Review status: criteria provided, single submitter. Criteria: GeneDx Variant Classification Process June 2021. Collection method: clinical testing. Allele origin: germline.
Comment: Not observed at significant frequency in large population cohorts (gnomAD); In silico analysis supports that this missense variant does not alter protein structure/function; Has not been previously published as pathogenic or benign to our knowledge